The following is an entry in ClinVar:

NM_003672.4(CDC14A):c.309A>C (p.Ala103=)

Gene: CDC14A (cell division cycle 14A; plus strand). Cytogenetic location: 1p21.2.
Variant type: single nucleotide variant.
Coding change: c.309A>C on transcript NM_003672.4 (MANE Select); coding-DNA position 309, A replaced by C.
Protein change: p.Ala103=; no amino-acid change (alanine 103 retained).
Molecular consequence: synonymous variant. On other transcripts: 5 prime UTR variant (1).
Genome position (GRCh38, 1-based): chr1:100,390,824, A>C. VCF-style: chr1-100390824-A-C. GRCh37 (hg19) VCF-style: chr1-100856380-A-C.
Other names: p.Ala103=; c.309A>C, p.Ala103= (NM_001319210.2, NM_033312.3, NM_033313.3); c.135A>C, p.Ala45= (NM_001319211.2); c.-483A>C (NM_001319212.2).
Identifiers: ClinVar variation 506035 (VCV000506035.16), dbSNP rs28361212, ClinGen allele CA970505.

ClinVar aggregate classification (germline): Benign. Review status: criteria provided, multiple submitters, no conflicts (2 of 4 stars). 6 submissions from 6 submitters: Benign (6). Last evaluated 2026-02-03.

Allele frequency attached by ClinVar (database versions not stated): ExAC 0.03004; gnomAD 0.09162 and 0.09875; 1000 Genomes Project 0.09625; 1000 Genomes Project 30x 0.10103; TOPMed 0.10212; ESP Exome Variant Server 0.10587.

Submissions 1 to 32 of 50:

Labcorp Genetics (formerly Invitae), Labcorp
Classification: Benign. Last evaluated: 2026-02-03. Review status: criteria provided, single submitter. Criteria: Invitae Variant Classification Sherloc (09022015). Collection method: clinical testing. Allele origin: germline.

Mayo Clinic Laboratories, Mayo Clinic
Classification: Benign. Last evaluated: 2020-09-30. Review status: criteria provided, single submitter. Criteria: ACMG Guidelines, 2015. Collection method: clinical testing. Allele origin: germline. Observed: 10 variant alleles.

Athena Diagnostics
Classification: Benign. Last evaluated: 2018-09-12. Review status: criteria provided, single submitter. Criteria: Athena Diagnostics Criteria. Collection method: clinical testing. Allele origin: germline.

GeneDx
Classification: Benign. Last evaluated: 2017-10-05. Review status: criteria provided, single submitter. Criteria: GeneDx Variant Classification (06012015). Collection method: clinical testing. Allele origin: germline. Affected: yes.
Comment: This variant is considered likely benign or benign based on one or more of the following criteria: it is a conservative change, it occurs at a poorly conserved position in the protein, it is predicted to be benign by multiple in silico algorithms, and/or has population frequency not consistent with disease.

Laboratory for Molecular Medicine, Mass General Brigham Personalized Medicine
Classification: Benign. Last evaluated: 2017-08-23. Review status: criteria provided, single submitter. Criteria: LMM Criteria. Collection method: clinical testing. Allele origin: germline. Observed: 20 variant alleles.
Comment: p.Ala103Ala in exon 4 of CDC14A: This variant is not expected to have clinical s ignificance because it has been identified in 32.67% (3374/10328) of African chr omosomes by the Exome Aggregation Consortium (ExAC, rg; dbSNP rs28361212).

Breakthrough Genomics
Classification: Benign. Review status: criteria provided, single submitter. Criteria: ACMG Guidelines, 2015. Collection method: not provided. Allele origin: germline. Inheritance: Autosomal recessive inheritance. Affected: yes.

Dr. Peter K. Rogan Lab, Western University
No classification provided (evidence only). Condition: Lung cancer. Review status: no classification provided. Collection method: in vitro. Allele origin: not applicable. Functional consequence: retained intron. Not counted in ClinVar's aggregate classification.

Dr. Peter K. Rogan Lab, Western University
No classification provided (evidence only). Condition: Acute myeloid leukemia. Review status: no classification provided. Collection method: in vitro. Allele origin: not applicable. Functional consequence: retained intron. Not counted in ClinVar's aggregate classification.

Dr. Peter K. Rogan Lab, Western University
No classification provided (evidence only). Condition: Lung cancer. Review status: no classification provided. Collection method: in vitro. Allele origin: not applicable. Functional consequence: retained intron. Not counted in ClinVar's aggregate classification.

Dr. Peter K. Rogan Lab, Western University
No classification provided (evidence only). Condition: Melanoma. Review status: no classification provided. Collection method: in vitro. Allele origin: not applicable. Functional consequence: retained intron. Not counted in ClinVar's aggregate classification.

Dr. Peter K. Rogan Lab, Western University
No classification provided (evidence only). Condition: Acute myeloid leukemia. Review status: no classification provided. Collection method: in vitro. Allele origin: not applicable. Functional consequence: retained intron. Not counted in ClinVar's aggregate classification.

Dr. Peter K. Rogan Lab, Western University
No classification provided (evidence only). Condition: Acute myeloid leukemia. Review status: no classification provided. Collection method: in vitro. Allele origin: not applicable. Functional consequence: retained intron. Not counted in ClinVar's aggregate classification.

Dr. Peter K. Rogan Lab, Western University
No classification provided (evidence only). Condition: Colon adenocarcinoma. Review status: no classification provided. Collection method: in vitro. Allele origin: not applicable. Functional consequence: retained intron. Not counted in ClinVar's aggregate classification.

Dr. Peter K. Rogan Lab, Western University
No classification provided (evidence only). Condition: Acute myeloid leukemia. Review status: no classification provided. Collection method: in vitro. Allele origin: not applicable. Functional consequence: retained intron. Not counted in ClinVar's aggregate classification.

Dr. Peter K. Rogan Lab, Western University
No classification provided (evidence only). Condition: Acute myeloid leukemia. Review status: no classification provided. Collection method: in vitro. Allele origin: not applicable. Functional consequence: retained intron. Not counted in ClinVar's aggregate classification.

Dr. Peter K. Rogan Lab, Western University
No classification provided (evidence only). Condition: Colon adenocarcinoma. Review status: no classification provided. Collection method: in vitro. Allele origin: not applicable. Functional consequence: retained intron. Not counted in ClinVar's aggregate classification.

Dr. Peter K. Rogan Lab, Western University
No classification provided (evidence only). Condition: Acute myeloid leukemia. Review status: no classification provided. Collection method: in vitro. Allele origin: not applicable. Functional consequence: retained intron. Not counted in ClinVar's aggregate classification.

Dr. Peter K. Rogan Lab, Western University
No classification provided (evidence only). Condition: Acute myeloid leukemia. Review status: no classification provided. Collection method: in vitro. Allele origin: not applicable. Functional consequence: retained intron. Not counted in ClinVar's aggregate classification.

Dr. Peter K. Rogan Lab, Western University
No classification provided (evidence only). Condition: Thyroid cancer, nonmedullary, 1. Review status: no classification provided. Collection method: in vitro. Allele origin: not applicable. Functional consequence: retained intron. Not counted in ClinVar's aggregate classification.

Dr. Peter K. Rogan Lab, Western University
No classification provided (evidence only). Condition: Thyroid cancer, nonmedullary, 1. Review status: no classification provided. Collection method: in vitro. Allele origin: not applicable. Functional consequence: retained intron. Not counted in ClinVar's aggregate classification.

Dr. Peter K. Rogan Lab, Western University
No classification provided (evidence only). Condition: Thyroid cancer, nonmedullary, 1. Review status: no classification provided. Collection method: in vitro. Allele origin: not applicable. Functional consequence: retained intron. Not counted in ClinVar's aggregate classification.

Dr. Peter K. Rogan Lab, Western University
No classification provided (evidence only). Condition: Thyroid cancer, nonmedullary, 1. Review status: no classification provided. Collection method: in vitro. Allele origin: not applicable. Functional consequence: retained intron. Not counted in ClinVar's aggregate classification.

Dr. Peter K. Rogan Lab, Western University
No classification provided (evidence only). Condition: Thyroid cancer, nonmedullary, 1. Review status: no classification provided. Collection method: in vitro. Allele origin: not applicable. Functional consequence: retained intron. Not counted in ClinVar's aggregate classification.

Dr. Peter K. Rogan Lab, Western University
No classification provided (evidence only). Condition: Thyroid cancer, nonmedullary, 1. Review status: no classification provided. Collection method: in vitro. Allele origin: not applicable. Functional consequence: retained intron. Not counted in ClinVar's aggregate classification.

Dr. Peter K. Rogan Lab, Western University
No classification provided (evidence only). Condition: Thyroid cancer, nonmedullary, 1. Review status: no classification provided. Collection method: in vitro. Allele origin: not applicable. Functional consequence: retained intron. Not counted in ClinVar's aggregate classification.

Dr. Peter K. Rogan Lab, Western University
No classification provided (evidence only). Condition: Thyroid cancer, nonmedullary, 1. Review status: no classification provided. Collection method: in vitro. Allele origin: not applicable. Functional consequence: retained intron. Not counted in ClinVar's aggregate classification.

Dr. Peter K. Rogan Lab, Western University
No classification provided (evidence only). Condition: Thyroid cancer, nonmedullary, 1. Review status: no classification provided. Collection method: in vitro. Allele origin: not applicable. Functional consequence: retained intron. Not counted in ClinVar's aggregate classification.

Dr. Peter K. Rogan Lab, Western University
No classification provided (evidence only). Condition: Sarcoma. Review status: no classification provided. Collection method: in vitro. Allele origin: not applicable. Functional consequence: retained intron. Not counted in ClinVar's aggregate classification.

Dr. Peter K. Rogan Lab, Western University
No classification provided (evidence only). Condition: Sarcoma. Review status: no classification provided. Collection method: in vitro. Allele origin: not applicable. Functional consequence: retained intron. Not counted in ClinVar's aggregate classification.

Dr. Peter K. Rogan Lab, Western University
No classification provided (evidence only). Condition: Nonpapillary renal cell carcinoma. Review status: no classification provided. Collection method: in vitro. Allele origin: not applicable. Functional consequence: retained intron. Not counted in ClinVar's aggregate classification.

Dr. Peter K. Rogan Lab, Western University
No classification provided (evidence only). Condition: Ovarian serous cystadenocarcinoma. Review status: no classification provided. Collection method: in vitro. Allele origin: not applicable. Functional consequence: retained intron. Not counted in ClinVar's aggregate classification.

Dr. Peter K. Rogan Lab, Western University
No classification provided (evidence only). Condition: Sarcoma. Review status: no classification provided. Collection method: in vitro. Allele origin: not applicable. Functional consequence: retained intron. Not counted in ClinVar's aggregate classification.